The following is an entry in ClinVar:

ClinVar aggregate classification (germline): Uncertain significance. Review status: criteria provided, multiple submitters, no conflicts (2 of 4 stars). 2 submissions from 2 submitters: Uncertain significance (2). Last evaluated 2025-11-26.

Conditions:
CEP290-related disorder. Also called: CEP290-related condition; CEP290-related disorders. Identifiers: MedGen CN239314.
Leber congenital amaurosis 10 (LCA10). Identifiers: Orphanet 65, MedGen C1857821, MONDO:0012723, OMIM 611755.
Meckel syndrome, type 4 (MKS4). Also called: MECKEL-GRUBER SYNDROME, TYPE 4. Identifiers: Orphanet 564, MedGen C1970161, MONDO:0012626, OMIM 611134.
Senior-Loken syndrome 6 (SLSN6). Identifiers: Orphanet 3156, MedGen C1857779, MONDO:0012433, OMIM 610189.
Joubert syndrome 5 (JBTS5). Identifiers: Orphanet 2318, MedGen C1857780, MONDO:0012432, OMIM 610188.
Bardet-Biedl syndrome 14 (BBS14). Identifiers: Orphanet 110, MedGen C2673874, MONDO:0014442, OMIM 615991.

gnomAD v4.1: 1 of 1,092,222 alleles (0.000092%); highest among the groups gnomAD compares: Non-Finnish European, 0.00012%; no homozygotes.

Submissions (2):

PreventionGenetics, part of Exact Sciences
Classification: Uncertain significance for CEP290-related condition. Last evaluated: 2025-11-26. Review status: criteria provided, single submitter. Criteria: ACMG Guidelines, 2015. Collection method: clinical testing. Allele origin: germline.
Comment: The CEP290 c.1147T>C variant is predicted to result in the amino acid substitution p.Cys383Arg. To our knowledge, this variant has not been reported in the literature or in a large population database (gnomAD), indicating this variant is rare. At this time, the clinical significance of this variant is uncertain due to the absence of conclusive functional and genetic evidence.

Fulgent Genetics
Classification: Uncertain significance for Joubert syndrome 5; Senior-Loken syndrome 6; Meckel syndrome, type 4; Leber congenital amaurosis 10; Bardet-Biedl syndrome 14. Last evaluated: 2024-04-10. Review status: criteria provided, single submitter. Criteria: ACMG Guidelines, 2015. Collection method: clinical testing. Allele origin: germline.

NM_025114.4(CEP290):c.1147T>C (p.Cys383Arg)

Gene: CEP290 (centrosomal protein 290; minus strand). Cytogenetic location: 12q21.32.
Variant type: single nucleotide variant.
Coding change: c.1147T>C on transcript NM_025114.4 (MANE Select); coding-DNA position 1147, T replaced by C.
Protein change: p.Cys383Arg; replaces cysteine 383 with arginine.
Molecular consequence: missense variant.
Genome position (GRCh38, 1-based): chr12:88,125,288, A>G on the plus strand (T>C on the coding strand, the complement: CEP290 is on the minus strand). VCF-style: chr12-88125288-A-G. GRCh37 (hg19) VCF-style: chr12-88519065-A-G.
Other names: c.1147T>C (NM_025114.3); short protein forms C383R.
Identifiers: ClinVar variation 3575478 (VCV003575478.2).